The following is an entry in ClinVar:

NM_024577.4(SH3TC2):c.307C>T (p.Gln103Ter)

Gene: SH3TC2 (SH3 domain and tetratricopeptide repeats 2; minus strand). Cytogenetic location: 5q32.
Variant type: single nucleotide variant.
Coding change: c.307C>T on transcript NM_024577.4 (MANE Select); coding-DNA position 307, C replaced by T.
Protein change: p.Gln103Ter; replaces glutamine 103 with a stop codon.
Molecular consequence: nonsense.
Genome position (GRCh38, 1-based): chr5:149,044,611, G>A on the plus strand (C>T on the coding strand, the complement: SH3TC2 is on the minus strand). VCF-style: chr5-149044611-G-A. GRCh37 (hg19) VCF-style: chr5-148424174-G-A.
Other names: short protein forms Q103*.
Identifiers: ClinVar variation 1972877 (VCV001972877.5), dbSNP rs1754427074, ClinGen allele CA361676961.
Genomic context (GRCh38, chr5:149,044,611, plus strand): 5'-AGAACTTCCAGATTTCCTCCATGGTCTTGAAGGTGATGAGAAACTGGGCCCTCTGAGACT[G>A]GATACTGACCAACCTTGCTGAGAGGTCCTACGTAAAGGAAACAATGAGTCAGCCTGGGAT-3'

ClinVar aggregate classification (germline): Pathogenic (1 of 4 stars; one submission).

Conditions:
Charcot-Marie-Tooth disease type 4. Also called: Charcot-Marie-Tooth, Type 4; Charcot-Marie-Tooth disease, type IV. Identifiers: Orphanet 64749, MedGen C4082197, MONDO:0018995.

Allele frequency attached by ClinVar (database versions not stated): gnomAD 0.00001.

Submission:

Labcorp Genetics (formerly Invitae), Labcorp
Classification: Pathogenic for Charcot-Marie-Tooth disease type 4. Last evaluated: 2022-09-06. Review status: criteria provided, single submitter. Criteria: Invitae Variant Classification Sherloc (09022015). Collection method: clinical testing. Allele origin: germline.
Comment: For these reasons, this variant has been classified as Pathogenic. This variant has not been reported in the literature in individuals affected with SH3TC2-related conditions. This variant is not present in population databases (gnomAD no frequency). This sequence change creates a premature translational stop signal (p.Gln103*) in the SH3TC2 gene. It is expected to result in an absent or disrupted protein product. Loss-of-function variants in SH3TC2 are known to be pathogenic (PMID: 20220177, 27068304).

Literature cited by the submitters: PubMed 20220177; PubMed 27068304.